The following is an entry in ClinVar:

NM_014855.3(AP5Z1):c.2241C>G (p.Ile747Met)

Gene: AP5Z1 (adaptor related protein complex 5 subunit zeta 1; plus strand). Cytogenetic location: 7p22.1.
Variant type: single nucleotide variant.
Coding change: c.2241C>G on transcript NM_014855.3 (MANE Select); coding-DNA position 2241, C replaced by G.
Protein change: p.Ile747Met; replaces isoleucine 747 with methionine.
Molecular consequence: missense variant. On other transcripts: non-coding transcript variant (1).
Genome position (GRCh38, 1-based): chr7:4,791,202, C>G. VCF-style: chr7-4791202-C-G. GRCh37 (hg19) VCF-style: chr7-4830833-C-G.
Other names: c.1773C>G, p.Ile591Met (NM_001364858.1); short protein forms I591M, I747M.
Identifiers: ClinVar variation 2070630 (VCV002070630.3), dbSNP rs760812038, ClinGen allele CA4138396.
Genomic context (GRCh38, chr7:4,791,202, plus strand): 5'-GACCCTGGCTCACAGTCCAGCCACCAGCTCCACGCACAGCGAGGAGGGCGCGGAAGCCAT[C>G]CGTACCCGGGCCACAGAGCTGCTGACCCTGCTGAAGATGCCTAGCGTGGCCCAGTTTGTG-3'
Protein context (NP_055670.1, residues 737-757): STHSEEGAEA[Ile747Met]RTRATELLTL

ClinVar aggregate classification (germline): Uncertain significance (1 of 4 stars; one submission).

Conditions:
Hereditary spastic paraplegia 48. Also called: SPASTIC PARAPLEGIA 48, AUTOSOMAL RECESSIVE; Spastic paraplegia 48. Identifiers: Orphanet 306511, MedGen C3150901, MONDO:0013342, OMIM 613647.

Allele frequency attached by ClinVar (database versions not stated): gnomAD 0.00003.
gnomAD v4.1: 71 of 1,612,474 alleles (0.0044%); highest among the groups gnomAD compares: Non-Finnish European, 0.0058%; no homozygotes.

Submission:

Labcorp Genetics (formerly Invitae), Labcorp
Classification: Uncertain significance for Hereditary spastic paraplegia 48. Last evaluated: 2024-02-24. Review status: criteria provided, single submitter. Criteria: Invitae Variant Classification Sherloc (09022015). Collection method: clinical testing. Allele origin: germline.
Comment: This sequence change replaces isoleucine, which is neutral and non-polar, with methionine, which is neutral and non-polar, at codon 747 of the AP5Z1 protein (p.Ile747Met). This variant is present in population databases (rs760812038, gnomAD 0.004%). This variant has not been reported in the literature in individuals affected with AP5Z1-related conditions. ClinVar contains an entry for this variant (Variation ID: 2070630). Advanced modeling of protein sequence and biophysical properties (such as structural, functional, and spatial information, amino acid conservation, physicochemical variation, residue mobility, and thermodynamic stability) performed at Invitae indicates that this missense variant is not expected to disrupt AP5Z1 protein function with a negative predictive value of 80%. In summary, the available evidence is currently insufficient to determine the role of this variant in disease. Therefore, it has been classified as a Variant of Uncertain Significance.